The following is an entry in ClinVar:

ClinVar aggregate classification (germline): Pathogenic/Likely pathogenic. Review status: criteria provided, multiple submitters, no conflicts (2 of 4 stars). 5 submissions from 5 submitters: Pathogenic (2); Likely pathogenic (2). 1 of the submissions does not count toward it. Last evaluated 2026-04-15.

Conditions:
STRC-related disorder. Also called: STRC-related condition.
Deafness-infertility syndrome. Also called: Deafness and male infertility. Identifiers: Orphanet 94064, MedGen C1970187, MONDO:0012621, OMIM 611102.
Autosomal recessive nonsyndromic hearing loss 16. Also called: DFNB16 Nonsyndromic Hearing Loss and Deafness; DEAFNESS, AUTOSOMAL RECESSIVE 16. Identifiers: Orphanet 90636, MedGen C1863561, MONDO:0011364, OMIM 603720.

Allele frequency attached by ClinVar (database versions not stated): gnomAD 0.00001; gnomAD exomes 0.00001; TOPMed 0.00001; ExAC 0.00002.

Submissions (5):

PreventionGenetics, part of Exact Sciences
Classification: Pathogenic for STRC-related condition. Last evaluated: 2026-04-15. Review status: criteria provided, single submitter. Criteria: ACMG Guidelines, 2015. Collection method: clinical testing. Allele origin: germline.
Comment: The STRC c.4351C>T variant is predicted to result in premature protein termination (p.Arg1451*). This variant was reported in the homozygous or compound heterozygous state with a second pathogenic variant in three individuals with hearing loss (Table S3, Sloan-Heggen et al. 2016. PubMed ID: 26969326; Downie et al. 2019. PubMed ID: 31827275; Yoon et al. 2020. PubMed ID: 32658404). This variant is reported in 0.0040% of alleles in individuals of African descent in gnomAD. Nonsense variants in STRC are expected to be pathogenic. This variant is interpreted as pathogenic.

Baylor Genetics
Classification: Pathogenic for Deafness-infertility syndrome. Last evaluated: 2020-07-30. Review status: criteria provided, single submitter. Criteria: ACMG Guidelines, 2015. Collection method: clinical testing. Allele origin: unknown. Affected: yes.
Comment: This variant was determined to be pathogenic according to ACMG Guidelines, 2015 [PMID:25741868].

Victorian Clinical Genetics Services, Murdoch Childrens Research Institute
Classification: Likely pathogenic for Autosomal recessive nonsyndromic hearing loss 16. Last evaluated: 2018-07-31. Review status: criteria provided, single submitter. Criteria: ACMG Guidelines, 2015. Collection method: clinical testing. Allele origin: unknown. Affected: yes.
Comment: A homozygous nonsense variant, NM_153700.2(STRC):c.4351C>T, has been identified in exon 22 of 29 of the STRC gene. The variant is predicted to result in a premature stop codon at position 1451 of the protein (NP_714544.1(STRC):p.(Arg1451*)). This variant is predicted to result in loss of protein function either through truncation (although no known functional domains are affected) or nonsense-mediated decay, which is a reported mechanism of pathogenicity for this gene. The variant is present in the gnomAD database at a frequency of 0.001% (3 heterozygotes and 0 homozygotes). This variant has been previously reported as likely pathogenic (ClinVar). Multiple truncating variants have been reported as pathogenic for this condition, including a few downstream of this variant (ClinVar). Based on the information available at the time of curation, this variant has been classified as LIKELY PATHOGENIC.

Genome-Nilou Lab
Classification: Likely pathogenic for Autosomal recessive nonsyndromic hearing loss 16. Review status: criteria provided, single submitter. Criteria: ACMG Guidelines, 2015. Collection method: clinical testing. Allele origin: germline.

Knight Diagnostic Laboratories, Oregon Health and Sciences University
Classification: Likely pathogenic for Deafness, autosomal recessive 16. Last evaluated: 2014-08-21. Review status: no assertion criteria provided. Criteria: ACMG Guidelines, 2007. Collection method: clinical testing. Allele origin: germline. Inheritance: Autosomal recessive inheritance. Affected: no. Not counted in ClinVar's aggregate classification.

NM_153700.2(STRC):c.4351C>T (p.Arg1451Ter)

Gene: STRC (stereocilin; minus strand). Cytogenetic location: 15q15.3.
Variant type: single nucleotide variant.
Coding change: c.4351C>T on transcript NM_153700.2 (MANE Select); coding-DNA position 4351, C replaced by T.
Protein change: p.Arg1451Ter; replaces arginine 1451 with a stop codon.
Molecular consequence: nonsense.
Genome position (GRCh38, 1-based): chr15:43,604,020, G>A on the plus strand (C>T on the coding strand, the complement: STRC is on the minus strand). VCF-style: chr15-43604020-G-A. GRCh37 (hg19) VCF-style: chr15-43896218-G-A.
Other names: short protein forms R1451*.
Identifiers: ClinVar variation 212742 (VCV000212742.6), dbSNP rs778909195, ClinGen allele CA277233.